The following is an entry in ClinVar:

NM_006514.4(SCN10A):c.101C>T (p.Thr34Ile)

Gene: SCN10A (sodium voltage-gated channel alpha subunit 10; minus strand). Cytogenetic location: 3p22.2.
Variant type: single nucleotide variant.
Coding change: c.101C>T on transcript NM_006514.4 (MANE Select); coding-DNA position 101, C replaced by T.
Protein change: p.Thr34Ile; replaces threonine 34 with isoleucine.
Molecular consequence: missense variant.
Genome position (GRCh38, 1-based): chr3:38,793,910, G>A on the plus strand (C>T on the coding strand, the complement: SCN10A is on the minus strand). VCF-style: chr3-38793910-G-A. GRCh37 (hg19) VCF-style: chr3-38835401-G-A.
Other names: c.101C>T, p.Thr34Ile (NM_001293306.2, NM_001293307.2); short protein forms T34I.
Identifiers: ClinVar variation 1923530 (VCV001923530.5), dbSNP rs1025338659, ClinGen allele CA352163169.

ClinVar aggregate classification (germline): Uncertain significance (1 of 4 stars; one submission).

Conditions:
Brugada syndrome. Also called: Sudden unexpected nocturnal death syndrome; Sudden Unexplained Death Syndrome; Sudden Unexplained Nocturnal Death Syndrome (SUNDS); Sudden unexplained nocturnal death syndrome. Identifiers: Orphanet 130, MedGen C1142166, MONDO:0015263.

Submission:

Labcorp Genetics (formerly Invitae), Labcorp
Classification: Uncertain significance for Brugada syndrome. Last evaluated: 2022-02-22. Review status: criteria provided, single submitter. Criteria: Invitae Variant Classification Sherloc (09022015). Collection method: clinical testing. Allele origin: germline.
Comment: This sequence change replaces threonine, which is neutral and polar, with isoleucine, which is neutral and non-polar, at codon 34 of the SCN10A protein (p.Thr34Ile). This variant is not present in population databases (gnomAD no frequency). This variant has not been reported in the literature in individuals affected with SCN10A-related conditions. Advanced modeling of protein sequence and biophysical properties (such as structural, functional, and spatial information, amino acid conservation, physicochemical variation, residue mobility, and thermodynamic stability) performed at Invitae indicates that this missense variant is not expected to disrupt SCN10A protein function. In summary, the available evidence is currently insufficient to determine the role of this variant in disease. Therefore, it has been classified as a Variant of Uncertain Significance.